The following is an entry in ClinVar:

ClinVar aggregate classification (germline): Likely benign (1 of 4 stars; one submission).

Allele frequency attached by ClinVar (database versions not stated): gnomAD exomes below 0.00001.
gnomAD v4.1: 1 of 1,611,090 alleles (0.000062%); highest among the groups gnomAD compares: East Asian, 0.0022%; no homozygotes.

Submission:

CeGaT Center for Human Genetics Tuebingen
Classification: Likely benign. Last evaluated: 2023-02-01. Review status: criteria provided, single submitter. Criteria: CeGaT Center For Human Genetics Tuebingen Variant Classification Criteria Version 2. Collection method: clinical testing. Allele origin: germline. Affected: yes. Observed: 1 variant allele.
Comment: TTN: PM2:Supporting, BP4, BP7

NM_001267550.2(TTN):c.33972A>G (p.Lys11324=)

Gene: TTN (titin; minus strand). Cytogenetic location: 2q31.2.
Variant type: single nucleotide variant.
Coding change: c.33972A>G on transcript NM_001267550.2 (MANE Select); coding-DNA position 33972, A replaced by G.
Protein change: p.Lys11324=; no amino-acid change (lysine 11324 retained).
Molecular consequence: synonymous variant. On other transcripts: intron variant (3).
Genome position (GRCh38, 1-based): chr2:178,678,147, T>C on the plus strand (A>G on the coding strand, the complement: TTN is on the minus strand). VCF-style: chr2-178678147-T-C. GRCh37 (hg19) VCF-style: chr2-179542874-T-C.
Other names: c.33021A>G, p.Lys11007= (NM_001256850.1); c.30240A>G, p.Lys10080= (NM_133378.4); c.13283-35830A>G (NM_003319.4); c.13859-35830A>G (NM_133437.4); c.13658-35830A>G (NM_133432.3).
Identifiers: ClinVar variation 2651666 (VCV002651666.24), dbSNP rs2473806338, ClinGen allele CA430127294.